The following is an entry in ClinVar:

ClinVar aggregate classification (germline): Uncertain significance. Review status: criteria provided, multiple submitters, no conflicts (2 of 4 stars). 2 submissions from 2 submitters: Uncertain significance (2). Last evaluated 2025-12-31.

Conditions:
Inborn genetic diseases. Identifiers: MedGen C0950123, MeSH D030342.

Allele frequency attached by ClinVar (database versions not stated): gnomAD exomes 0.00005; 1000 Genomes Project 0.00020; ExAC 0.00009; ESP Exome Variant Server 0.00031; TOPMed 0.00022; 1000 Genomes Project 30x 0.00031; gnomAD 0.00021.
gnomAD v4.1: 110 of 1,613,950 alleles (0.0068%); highest among the groups gnomAD compares: African/African-American, 0.056%; no homozygotes.

Submissions (2):

Labcorp Genetics (formerly Invitae), Labcorp
Classification: Uncertain significance. Last evaluated: 2025-12-31. Review status: criteria provided, single submitter. Criteria: Invitae Variant Classification Sherloc (09022015). Collection method: clinical testing. Allele origin: germline.
Comment: This sequence change replaces proline, which is neutral and non-polar, with leucine, which is neutral and non-polar, at codon 818 of the ANO6 protein (p.Pro818Leu). This variant is present in population databases (rs150669705, gnomAD 0.06%). This variant has not been reported in the literature in individuals affected with ANO6-related conditions. ClinVar contains an entry for this variant (Variation ID: 2400130). Invitae Evidence Modeling of protein sequence and biophysical properties (such as structural, functional, and spatial information, amino acid conservation, physicochemical variation, residue mobility, and thermodynamic stability) indicates that this missense variant is not expected to disrupt ANO6 protein function with a negative predictive value of 80%. In summary, the available evidence is currently insufficient to determine the role of this variant in disease. Therefore, it has been classified as a Variant of Uncertain Significance.

Ambry Genetics
Classification: Uncertain significance for Inborn genetic diseases. Last evaluated: 2024-10-03. Review status: criteria provided, single submitter. Criteria: Ambry Variant Classification Scheme 2023. Collection method: clinical testing. Allele origin: germline.

NM_001025356.3(ANO6):c.2453C>T (p.Pro818Leu)

Gene: ANO6 (anoctamin 6; plus strand). Cytogenetic location: 12q12.
Variant type: single nucleotide variant.
Coding change: c.2453C>T on transcript NM_001025356.3 (MANE Select); coding-DNA position 2453, C replaced by T.
Protein change: p.Pro818Leu; replaces proline 818 with leucine.
Molecular consequence: missense variant.
Genome position (GRCh38, 1-based): chr12:45,422,989, C>T. VCF-style: chr12-45422989-C-T. GRCh37 (hg19) VCF-style: chr12-45816772-C-T.
Other names: c.2399C>T, p.Pro800Leu (NM_001142678.2); c.2453C>T, p.Pro818Leu (NM_001142679.2); c.2516C>T, p.Pro839Leu (NM_001204803.2); c.2420C>T, p.Pro807Leu (NM_001410973.1); short protein forms P800L, P818L, P807L, P839L.
Identifiers: ClinVar variation 2400130 (VCV002400130.5), dbSNP rs150669705, ClinGen allele CA6525625.